The following is an entry in ClinVar:

NM_153460.4(IL17RC):c.1487G>A (p.Trp496Ter)

Genes: IL17RC (interleukin 17 receptor C; plus strand), LOC129936143 (ATAC-STARR-seq lymphoblastoid silent region 14050; plus strand). Cytogenetic location: 3p25.3.
Variant type: single nucleotide variant.
Coding change: c.1487G>A on transcript NM_153460.4 (MANE Select); coding-DNA position 1487, G replaced by A.
Protein change: p.Trp496Ter; replaces tryptophan 496 with a stop codon.
Molecular consequence: nonsense. On other transcripts: non-coding transcript variant (1), intron variant (5).
Genome position (GRCh38, 1-based): chr3:9,932,823, G>A. VCF-style: chr3-9932823-G-A. GRCh37 (hg19) VCF-style: chr3-9974507-G-A.
Other names: c.1391G>A, p.Trp464Ter (NM_001203265.2); c.1442G>A, p.Trp481Ter (NM_032732.6); c.1700G>A, p.Trp567Ter (NM_153461.4); c.1483+120G>A (NM_001203263.2); c.1432+120G>A (NM_001203264.2); c.1444+120G>A (NM_001367278.1); c.1438+120G>A (NM_001367280.1); c.1363+120G>A (NM_001367279.1); short protein forms W464*, W481*, W496*, W567*.
Identifiers: ClinVar variation 1011578 (VCV001011578.5), dbSNP rs760707054, ClinGen allele CA351703344.

ClinVar aggregate classification (germline): Uncertain significance (1 of 4 stars; one submission).

Conditions:
Candidiasis, familial, 9 (CANDF9). Identifiers: Orphanet 1334, MedGen C4225324, MONDO:0014642, OMIM 616445.

Submission:

Labcorp Genetics (formerly Invitae), Labcorp
Classification: Uncertain significance for Candidiasis, familial, 9. Last evaluated: 2025-03-31. Review status: criteria provided, single submitter. Criteria: Invitae Variant Classification Sherloc (09022015). Collection method: clinical testing. Allele origin: germline.
Comment: This sequence change creates a premature translational stop signal (p.Trp567*) in the IL17RC gene. While this is not anticipated to result in nonsense mediated decay, it is expected to disrupt the last 225 amino acid(s) of the IL17RC protein. This variant is not present in population databases (gnomAD no frequency). This variant has not been reported in the literature in individuals affected with IL17RC-related conditions. ClinVar contains an entry for this variant (Variation ID: 1011578). Experimental studies and prediction algorithms are not available or were not evaluated, and the functional significance of this variant is currently unknown. In summary, the available evidence is currently insufficient to determine the role of this variant in disease. Therefore, it has been classified as a Variant of Uncertain Significance.